The following is an entry in ClinVar:

NM_001165963.4(SCN1A):c.1840C>T (p.His614Tyr)

Gene: SCN1A (sodium voltage-gated channel alpha subunit 1; minus strand). Cytogenetic location: 2q24.3.
Variant type: single nucleotide variant.
Coding change: c.1840C>T on transcript NM_001165963.4 (MANE Select); coding-DNA position 1840, C replaced by T.
Protein change: p.His614Tyr; replaces histidine 614 with tyrosine.
Molecular consequence: missense variant. On other transcripts: 5 prime UTR variant (1), non-coding transcript variant (1).
Genome position (GRCh38, 1-based): chr2:166,043,872, G>A on the plus strand (C>T on the coding strand, the complement: SCN1A is on the minus strand). VCF-style: chr2-166043872-G-A. GRCh37 (hg19) VCF-style: chr2-166900382-G-A.
Other names: c.1840C>T, p.His614Tyr (NM_001165964.3, NM_001202435.3, NM_001353948.2 and 7 more transcripts); c.1837C>T, p.His613Tyr (NM_001353954.2, NM_001353955.2, NM_001353960.2); c.-586C>T (NM_001353961.2); short protein forms H614Y, H613Y.
Identifiers: ClinVar variation 2743947 (VCV002743947.3), dbSNP rs1213758058, ClinGen allele CA349067486.

ClinVar aggregate classification (germline): Uncertain significance (1 of 4 stars; one submission).

Conditions:
Early-infantile DEE. Also called: Early infantile epileptic encephalopathy with suppression bursts; Early infantile epileptic encephalopathy; Ohtahara syndrome. Identifiers: Orphanet 1934, MedGen C0393706, MONDO:0800491.

Submission:

Labcorp Genetics (formerly Invitae), Labcorp
Classification: Uncertain significance for Early-infantile DEE. Last evaluated: 2023-08-18. Review status: criteria provided, single submitter. Criteria: Invitae Variant Classification Sherloc (09022015). Collection method: clinical testing. Allele origin: germline.
Comment: This variant is not present in population databases (gnomAD no frequency). This sequence change replaces histidine, which is basic and polar, with tyrosine, which is neutral and polar, at codon 614 of the SCN1A protein (p.His614Tyr). In summary, the available evidence is currently insufficient to determine the role of this variant in disease. Therefore, it has been classified as a Variant of Uncertain Significance. This missense change has been observed in individual(s) with SCN1A-related conditions (Invitae). Advanced modeling of protein sequence and biophysical properties (such as structural, functional, and spatial information, amino acid conservation, physicochemical variation, residue mobility, and thermodynamic stability) performed at Invitae indicates that this missense variant is not expected to disrupt SCN1A protein function.